The following is an entry in ClinVar:

ClinVar aggregate classification (germline): Uncertain significance (1 of 4 stars; one submission).

Conditions:
Charcot-Marie-Tooth disease type 4. Also called: Charcot-Marie-Tooth, Type 4; Charcot-Marie-Tooth disease, type IV. Identifiers: Orphanet 64749, MedGen C4082197, MONDO:0018995.

Submission:

Labcorp Genetics (formerly Invitae), Labcorp
Classification: Uncertain significance for Charcot-Marie-Tooth disease type 4. Last evaluated: 2021-05-08. Review status: criteria provided, single submitter. Criteria: Invitae Variant Classification Sherloc (09022015). Collection method: clinical testing. Allele origin: germline.
Comment: This sequence change replaces glycine with valine at codon 286 of the FGD4 protein (p.Gly286Val). The glycine residue is highly conserved and there is a moderate physicochemical difference between glycine and valine. This variant is not present in population databases (ExAC no frequency). In summary, the available evidence is currently insufficient to determine the role of this variant in disease. Therefore, it has been classified as a Variant of Uncertain Significance. Algorithms developed to predict the effect of missense changes on protein structure and function (SIFT, PolyPhen-2, Align-GVGD) all suggest that this variant is likely to be disruptive, but these predictions have not been confirmed by published functional studies and their clinical significance is uncertain. This variant has not been reported in the literature in individuals with FGD4-related conditions.

NM_001370298.3(FGD4):c.1268G>T (p.Gly423Val)

Gene: FGD4 (FYVE, RhoGEF and PH domain containing 4; plus strand). Cytogenetic location: 12p11.21.
Variant type: single nucleotide variant.
Coding change: c.1268G>T on transcript NM_001370298.3 (MANE Select); coding-DNA position 1268, G replaced by T.
Protein change: p.Gly423Val; replaces glycine 423 with valine.
Molecular consequence: missense variant. On other transcripts: 5 prime UTR variant (1).
Genome position (GRCh38, 1-based): chr12:32,602,181, G>T. VCF-style: chr12-32602181-G-T. GRCh37 (hg19) VCF-style: chr12-32755115-G-T.
Other names: c.1112G>T, p.Gly371Val (NM_001304481.2); c.113G>T, p.Gly38Val (NM_001304483.2); c.-195G>T (NM_001304484.2); c.578G>T, p.Gly193Val (NM_001330373.2, NM_001330374.2, NM_001384130.1); c.305G>T, p.Gly102Val (NM_001370297.1); c.1268G>T, p.Gly423Val (NM_001384126.1); c.857G>T, p.Gly286Val (NM_001384127.1, NM_001384128.1, NM_001385118.1 and 1 more transcripts); short protein forms G102V, G423V, G193V, G286V, G371V, G38V.
Identifiers: ClinVar variation 1352356 (VCV001352356.8), dbSNP rs2136658541, ClinGen allele CA384358439.